The following is an entry in ClinVar:

NM_000702.4(ATP1A2):c.2515G>T (p.Asp839Tyr)

Gene: ATP1A2 (ATPase Na+/K+ transporting subunit alpha 2; plus strand). Cytogenetic location: 1q23.2.
Variant type: single nucleotide variant.
Coding change: c.2515G>T on transcript NM_000702.4 (MANE Select); coding-DNA position 2515, G replaced by T.
Protein change: p.Asp839Tyr; replaces aspartic acid 839 with tyrosine.
Molecular consequence: missense variant.
Genome position (GRCh38, 1-based): chr1:160,136,322, G>T. VCF-style: chr1-160136322-G-T. GRCh37 (hg19) VCF-style: chr1-160106112-G-T.
Other names: short protein forms D839Y.
Identifiers: ClinVar variation 1716051 (VCV001716051.5), dbSNP rs2524889908, ClinGen allele CA343251500.

ClinVar aggregate classification (germline): Uncertain significance (1 of 4 stars; one submission).

Conditions:
Familial hemiplegic migraine. Identifiers: MedGen C0338484, MONDO:0000700.

Submission:

Labcorp Genetics (formerly Invitae), Labcorp
Classification: Uncertain significance for Familial hemiplegic migraine. Last evaluated: 2023-08-10. Review status: criteria provided, single submitter. Criteria: Invitae Variant Classification Sherloc (09022015). Collection method: clinical testing. Allele origin: germline.
Comment: This sequence change replaces aspartic acid, which is acidic and polar, with tyrosine, which is neutral and polar, at codon 839 of the ATP1A2 protein (p.Asp839Tyr). In summary, the available evidence is currently insufficient to determine the role of this variant in disease. Therefore, it has been classified as a Variant of Uncertain Significance. Advanced modeling of protein sequence and biophysical properties (such as structural, functional, and spatial information, amino acid conservation, physicochemical variation, residue mobility, and thermodynamic stability) performed at Invitae indicates that this missense variant is expected to disrupt ATP1A2 protein function. ClinVar contains an entry for this variant (Variation ID: 1716051). This variant has not been reported in the literature in individuals affected with ATP1A2-related conditions. This variant is not present in population databases (gnomAD no frequency).